The following is an entry in ClinVar:

NM_018297.4(NGLY1):c.132-14T>C

Gene: NGLY1 (N-glycanase 1; minus strand). Cytogenetic location: 3p24.2.
Variant type: single nucleotide variant.
Coding change: c.132-14T>C on transcript NM_018297.4 (MANE Select); 14 bases into the intron before coding-DNA position 132, T replaced by C.
Molecular consequence: intron variant.
Genome position (GRCh38, 1-based): chr3:25,778,702, A>G on the plus strand (T>C on the coding strand, the complement: NGLY1 is on the minus strand). VCF-style: chr3-25778702-A-G. GRCh37 (hg19) VCF-style: chr3-25820193-A-G.
Other names: c.6-14T>C (NM_001145294.2); c.132-14T>C (NM_001145295.2, NM_001145293.2).
Identifiers: ClinVar variation 195339 (VCV000195339.13), dbSNP rs77109827, ClinGen allele CA201674.

ClinVar aggregate classification (germline): Benign. Review status: criteria provided, multiple submitters, no conflicts (2 of 4 stars). 4 submissions from 4 submitters: Benign (4). Last evaluated 2026-02-03.

Conditions:
Congenital disorder of deglycosylation (CDDG). Identifiers: MedGen C3808991, MONDO:0031376.

Allele frequency attached by ClinVar (database versions not stated): gnomAD exomes 0.00360 and 0.01064; ExAC 0.01266; gnomAD 0.04129 and 0.04444; 1000 Genomes Project 0.04273; 1000 Genomes Project 30x 0.04544; TOPMed 0.04692; ESP Exome Variant Server 0.04952.
gnomAD v4.1: 11,422 of 1,514,802 alleles (0.75%); highest among the groups gnomAD compares: African/African-American, 14%; 737 homozygotes.

Submissions (4):

Labcorp Genetics (formerly Invitae), Labcorp
Classification: Benign for Congenital disorder of deglycosylation. Last evaluated: 2026-02-03. Review status: criteria provided, single submitter. Criteria: Invitae Variant Classification Sherloc (09022015). Collection method: clinical testing. Allele origin: germline.

GeneDx
Classification: Benign. Last evaluated: 2015-12-10. Review status: criteria provided, single submitter. Criteria: GeneDx Variant Classification (06012015). Collection method: clinical testing. Allele origin: germline. Affected: yes.
Comment: This variant is considered likely benign or benign based on one or more of the following criteria: it is a conservative change, it occurs at a poorly conserved position in the protein, it is predicted to be benign by multiple in silico algorithms, and/or has population frequency not consistent with disease.

Eurofins Ntd Llc (ga)
Classification: Benign. Last evaluated: 2014-12-23. Review status: criteria provided, single submitter. Criteria: EGL Classification Definitions 2015. Collection method: clinical testing. Allele origin: germline. Observed: 1 variant allele, 1 heterozygote.

Breakthrough Genomics
Classification: Benign. Review status: criteria provided, single submitter. Criteria: ACMG Guidelines, 2015. Collection method: not provided. Allele origin: germline. Inheritance: Autosomal recessive inheritance. Affected: yes.